The following is an entry in ClinVar:

NM_206937.2(LIG4):c.1876A>G (p.Lys626Glu)

Gene: LIG4 (DNA ligase 4; minus strand). Cytogenetic location: 13q33.3.
Variant type: single nucleotide variant.
Coding change: c.1876A>G on transcript NM_206937.2 (MANE Select); coding-DNA position 1876, A replaced by G.
Protein change: p.Lys626Glu; replaces lysine 626 with glutamic acid.
Molecular consequence: missense variant.
Genome position (GRCh38, 1-based): chr13:108,209,393, T>C on the plus strand (A>G on the coding strand, the complement: LIG4 is on the minus strand). VCF-style: chr13-108209393-T-C. GRCh37 (hg19) VCF-style: chr13-108861741-T-C.
Other names: c.1876A>G, p.Lys626Glu (NM_001098268.2, NM_001352598.2, NM_001352599.2 and 6 more transcripts); c.1675A>G, p.Lys559Glu (NM_001330595.2); c.1912A>G, p.Lys638Glu (NM_001352604.2); short protein forms K559E, K626E, K638E.
Identifiers: ClinVar variation 1345106 (VCV001345106.6), dbSNP rs777285350, ClinGen allele CA7043601.

ClinVar aggregate classification (germline): Uncertain significance. Review status: criteria provided, multiple submitters, no conflicts (2 of 4 stars). 2 submissions from 2 submitters: Uncertain significance (2). Last evaluated 2021-09-17.

Conditions:
DNA ligase IV deficiency. Identifiers: Orphanet 99812, MedGen C1847827, MONDO:0011686, OMIM 606593.

Allele frequency attached by ClinVar (database versions not stated): gnomAD 0.00001; gnomAD exomes 0.00001 and 0.00002; TOPMed 0.00001; ExAC 0.00002.
gnomAD v4.1: 12 of 1,614,096 alleles (0.00074%); highest among the groups gnomAD compares: Middle Eastern, 0.016%; no homozygotes.

Submissions (2):

Labcorp Genetics (formerly Invitae), Labcorp
Classification: Uncertain significance for DNA ligase IV deficiency. Last evaluated: 2021-09-17. Review status: criteria provided, single submitter. Criteria: Invitae Variant Classification Sherloc (09022015). Collection method: clinical testing. Allele origin: germline.
Comment: This sequence change replaces lysine with glutamic acid at codon 626 of the LIG4 protein (p.Lys626Glu). The lysine residue is highly conserved and there is a small physicochemical difference between lysine and glutamic acid. This variant is present in population databases (rs777285350, ExAC 0.02%). This variant has not been reported in the literature in individuals with LIG4-related conditions. Algorithms developed to predict the effect of missense changes on protein structure and function are either unavailable or do not agree on the potential impact of this missense change (SIFT: "Tolerated"; PolyPhen-2: "Possibly Damaging"; Align-GVGD: "Class C0"). In summary, the available evidence is currently insufficient to determine the role of this variant in disease. Therefore, it has been classified as a Variant of Uncertain Significance.

Blueprint Genetics
Classification: Uncertain significance. Last evaluated: 2021-07-02. Review status: criteria provided, single submitter. Criteria: ACMG Guidelines, 2015. Collection method: clinical testing. Allele origin: germline.